The following is an entry in ClinVar:

NM_000346.4(SOX9):c.1304_1306delinsCCC (p.Ile435_Thr436delinsThrPro)

Gene: SOX9 (SRY-box transcription factor 9; plus strand). Cytogenetic location: 17q24.3.
Variant type: Indel.
Coding change: c.1304_1306delinsCCC on transcript NM_000346.4 (MANE Select); coding-DNA positions 1304 to 1306, TCA replaced by CCC.
Protein change: p.Ile435_Thr436delinsThrPro.
Molecular consequence: missense variant.
Genome position (GRCh38, 1-based): chr17:72,124,161-72,124,163, TCA replaced by CCC. VCF-style: chr17-72124161-TCA-CCC. GRCh37 (hg19) VCF-style: chr17-70120302-TCA-CCC.
Identifiers: ClinVar variation 1312849 (VCV001312849.2), dbSNP rs2143256500, ClinGen allele CA2573054565.

ClinVar aggregate classification (germline): Uncertain significance (1 of 4 stars; one submission).

Submission:

GeneDx
Classification: Uncertain significance. Last evaluated: 2020-06-25. Review status: criteria provided, single submitter. Criteria: GeneDx Variant Classification Process June 2021. Collection method: clinical testing. Allele origin: germline. Affected: yes.
Comment: Not observed in large population cohorts (Lek et al., 2016); In silico analysis supports a deleterious effect on protein structure/function; Has not been previously published as pathogenic or benign to our knowledge